The following is an entry in ClinVar:

NM_001040142.2(SCN2A):c.3048del (p.Phe1016fs)

Gene: SCN2A (sodium voltage-gated channel alpha subunit 2; plus strand). Cytogenetic location: 2q24.3.
Variant type: Deletion.
Coding change: c.3048del on transcript NM_001040142.2 (MANE Select); coding-DNA position 3048, one base deleted (T; older notation c.3048delT).
Protein change: p.Phe1016fs; shifts the reading frame from phenylalanine 1016.
Molecular consequence: frameshift variant.
Genome position (GRCh38, 1-based): chr2:165,354,320, T deleted; the last of 4 consecutive T bases (chr2:165,354,317-165,354,320); deleting any one gives the same sequence. VCF-style (leftmost placement, unchanged base first): chr2-165354316-AT-A. GRCh37 (hg19) VCF-style: chr2-166210826-AT-A.
Other names: c.3048del, p.Phe1016fs (NM_001040143.2, NM_001371246.1, NM_001371247.1 and 1 more transcripts); short protein forms F1016fs.
Identifiers: ClinVar variation 3755541 (VCV003755541.2).
Genomic context (GRCh38, chr2:165,354,316, plus strand): 5'-ATGATGATAACGAAATGAATAATCTCCAGATTGCTGTGGGAAGGATGCAGAAAGGAATCG[AT>A]TTTGTTAAAAGAAAAATACGTGAATTTATTCAGAAAGCCTTTGTTAGGAAGCAGAAAGCT-3'

ClinVar aggregate classification (germline): Pathogenic (1 of 4 stars; one submission).

Conditions:
Developmental and epileptic encephalopathy, 11 (DEE11). Also called: Early infantile epileptic encephalopathy 11. Identifiers: Orphanet 1934, MedGen C3150987, MONDO:0013388, OMIM 613721.
Seizures, benign familial infantile, 3 (BFIS3). Also called: CONVULSIONS, BENIGN FAMILIAL INFANTILE, 3; Familial neonatal seizures. Identifiers: Orphanet 140927, Orphanet 306, MedGen C1843140, MONDO:0011904, OMIM 607745.

Submission:

Labcorp Genetics (formerly Invitae), Labcorp
Classification: Pathogenic for Seizures, benign familial infantile, 3; Developmental and epileptic encephalopathy, 11. Last evaluated: 2024-03-27. Review status: criteria provided, single submitter. Criteria: Invitae Variant Classification Sherloc (09022015). Collection method: clinical testing. Allele origin: germline.
Comment: This sequence change creates a premature translational stop signal (p.Phe1016Leufs*21) in the SCN2A gene. It is expected to result in an absent or disrupted protein product. Loss-of-function variants in SCN2A are known to be pathogenic (PMID: 28379373). This variant is not present in population databases (gnomAD no frequency). This variant has not been reported in the literature in individuals affected with SCN2A-related conditions. For these reasons, this variant has been classified as Pathogenic.

Literature cited by the submitters: PubMed 28379373.